The following is an entry in ClinVar:

ClinVar aggregate classification (germline): Conflicting classifications of pathogenicity. Review status: criteria provided, conflicting classifications (1 of 4 stars). 6 submissions from 6 submitters: Likely pathogenic (2); Uncertain significance (1). 3 of the submissions do not count toward it. Last evaluated 2025-12-17.

Conditions:
Dilated cardiomyopathy 1G (CMD1G). Identifiers: Orphanet 154, MedGen C1858763, MONDO:0011400, OMIM 604145.
Autosomal recessive limb-girdle muscular dystrophy type 2J (LGMDR10). Also called: MUSCULAR DYSTROPHY, LIMB-GIRDLE, AUTOSOMAL RECESSIVE 10; Limb-girdle muscular dystrophy, type 2J. Identifiers: Orphanet 140922, MedGen C1837342, MONDO:0012127, OMIM 608807.

Allele frequency attached by ClinVar (database versions not stated): gnomAD exomes below 0.00001; TOPMed below 0.00001; gnomAD 0.00001.

Submissions (6):

Labcorp Genetics (formerly Invitae), Labcorp
Classification: Likely pathogenic for Dilated cardiomyopathy 1G; Autosomal recessive limb-girdle muscular dystrophy type 2J. Last evaluated: 2025-12-17. Review status: criteria provided, single submitter. Criteria: Invitae Variant Classification Sherloc (09022015). Collection method: clinical testing. Allele origin: germline.
Comment: This sequence change creates a premature translational stop signal (p.Gly4007Glufs*7) in the TTN gene. While this is not anticipated to result in nonsense mediated decay, it is expected to create a truncated TTN protein. This variant is present in population databases (no rsID available, gnomAD 0.007%). This variant has not been observed in the literature in individuals with autosomal recessive TTN-related conditions. This variant has been reported in individual(s) with dilated cardiomyopathy (PMID: 27813223, 31112426); however, the role of the variant in this condition is currently unclear. ClinVar contains an entry for this variant (Variation ID: 503826). This variant is located in the I band of TTN (PMID: 25589632). Truncating variants in this region have been reported in individuals affected with autosomal recessive centronuclear myopathy (PMID: 23975875, internal data). Truncating variants in this region have also been identified in individuals affected with autosomal dominant dilated cardiomyopathy and/or cardio-related conditions (PMID: 27869827, 32964742, internal data). In summary, the currently available evidence indicates that the variant is pathogenic, but additional data are needed to prove that conclusively. Therefore, this variant has been classified as Likely Pathogenic.

Victorian Clinical Genetics Services, Murdoch Childrens Research Institute
Classification: Likely pathogenic for Dilated cardiomyopathy 1G. Last evaluated: 2025-05-12. Review status: criteria provided, single submitter. Criteria: ACMG Guidelines, 2015. Collection method: clinical testing. Allele origin: germline. Affected: yes.
Comment: This variant is classified as Likely pathogenic. Evidence in support of pathogenic classification: Variant is predicted to cause nonsense-mediated decay (NMD) and loss of protein (premature termination codon is located at least 54 nucleotides upstream of the final exon-exon junction); Variant is present in gnomAD <0.01 (v4: 2 heterozygote(s), 0 homozygote(s)). - This variant has strong previous evidence of pathogenicity in unrelated individuals. This variant has been classified as likely pathogenic by multiple clinical laboratories in ClinVar, it has also been classified once as VUS. Furthermore, this variant has been reported in the literature in individuals with non-compaction cardiomyopathy (PMID: 30847666). - Other NMD-predicted variants comparable to the one identified in this case have strong previous evidence for pathogenicity (ClinVar). Additional information: This variant is heterozygous; This gene is associated with both recessive and dominant disease (OMIM); Variant is located in the annotated I-band and the exon has a PSI score of 100% (PMID: 25589632); Loss of function is a known mechanism of disease in this gene. In addition, dominant negative is also a suggested mechanism. (PMID: 25589632); The condition associated with this gene has incomplete penetrance. Variants in this gene that result in a premature termination codon (PTC) are known to have reduced penetrance in DCM (PMID: 25589632).

GeneDx
Classification: Uncertain significance. Last evaluated: 2017-11-20. Review status: criteria provided, single submitter. Criteria: GeneDx Variant Classification (06012015). Collection method: clinical testing. Allele origin: germline. Affected: yes.
Comment: The c.11065_11068dupAGTG variant of uncertain significance in the TTN gene (also reported as c.12016_12019dupAGTG in transcript NM_001267550.1) has been identified previously in two related individuals with DCM (Jansweijer et al., 2017). This variant is not observed at a significant frequency in large population cohorts (Lek et al., 2016). The c.11065_11068dupAGTG variant causes a shift in reading frame starting at codon glycine 3690, changing it to a glutamic acid, and creating a premature stop codon at position 7 of the new reading frame, denoted p.Gly3690GlufsX7. This variant is expected to result in either an abnormal, truncated protein product or loss of protein from this allele through nonsense-mediated mRNA decay. Nevertheless, other truncating TTN variants have been reported in approximately 3% of control alleles, and the c.11065_11068dupAGTG variant is not located in the A-band region of titin, where the majority of truncating pathogenic variants associated with DCM have been reported (Herman et al., 2012).

Clinical Genetics DNA and cytogenetics Diagnostics Lab, Erasmus MC, Erasmus Medical Center
Classification: Likely pathogenic. Review status: no assertion criteria provided. Collection method: clinical testing. Allele origin: germline. Affected: yes. Study: VKGL Data-share Consensus. Not counted in ClinVar's aggregate classification.

Clinical Genetics, Academic Medical Center
Classification: Likely pathogenic. Review status: no assertion criteria provided. Collection method: clinical testing. Allele origin: germline. Affected: yes. Study: VKGL Data-share Consensus. Not counted in ClinVar's aggregate classification.

Joint Genome Diagnostic Labs from Nijmegen and Maastricht, Radboudumc and MUMC+
Classification: Likely pathogenic. Review status: no assertion criteria provided. Collection method: clinical testing. Allele origin: germline. Affected: yes. Study: VKGL Data-share Consensus. Not counted in ClinVar's aggregate classification.

Literature cited by the submitters: PubMed 27813223 (cited by Labcorp Genetics (formerly Invitae), Labcorp); PubMed 31112426 (cited by Labcorp Genetics (formerly Invitae), Labcorp); PubMed 25589632 (cited by Labcorp Genetics (formerly Invitae), Labcorp and Victorian Clinical Genetics Services, Murdoch Childrens Research Institute); PubMed 23975875 (cited by Labcorp Genetics (formerly Invitae), Labcorp); PubMed 27869827 (cited by Labcorp Genetics (formerly Invitae), Labcorp); PubMed 32964742 (cited by Labcorp Genetics (formerly Invitae), Labcorp); PubMed 30847666 (cited by Victorian Clinical Genetics Services, Murdoch Childrens Research Institute).

NM_001267550.2(TTN):c.12016_12019dup (p.Gly4007fs)

Gene: TTN (titin; minus strand). Cytogenetic location: 2q31.2.
Variant type: Duplication.
Coding change: c.12016_12019dup on transcript NM_001267550.2 (MANE Select); coding-DNA positions 12016 to 12019, 4 bases duplicated (AGTG; older notation c.12016_12019dupAGTG).
Protein change: p.Gly4007fs; shifts the reading frame from glycine 4007.
Molecular consequence: frameshift variant. On other transcripts: intron variant (1).
Genome position (GRCh38, 1-based): chr2:178,741,214-178,741,217, CACT duplicated on the plus strand (AGTG on the coding strand, the reverse complement: TTN is on the minus strand). VCF-style (leftmost placement, unchanged base first): chr2-178741213-C-CCACT. GRCh37 (hg19) VCF-style: chr2-179605940-C-CCACT.
Other names: c.11065_11068dup, p.Gly3690fs (NM_001256850.1); c.10927_10930dup, p.Gly3644fs (NM_003319.4); c.11302_11305dup, p.Gly3769fs (NM_133432.3); c.11503_11506dup, p.Gly3836fs (NM_133437.4); c.10361-2857_10361-2854dup (NM_133378.4); c.12016_12019dupAGTG (NM_001267550.2); c.11065_11068dupAGTG (NM_001256850.1); short protein forms G3836fs, G3690fs, G4007fs, G3644fs, G3769fs.
Identifiers: ClinVar variation 503826 (VCV000503826.16), dbSNP rs1553940935, ClinGen allele CA538437887.